The following is an entry in ClinVar:

ClinVar aggregate classification (germline): Uncertain significance (1 of 4 stars; one submission).

Allele frequency attached by ClinVar (database versions not stated): gnomAD exomes 0.00001; ExAC 0.00002.
gnomAD v4.1: 12 of 1,612,280 alleles (0.00074%); highest among the groups gnomAD compares: Non-Finnish European, 0.001%; no homozygotes.

Submission:

Laboratory for Molecular Medicine, Mass General Brigham Personalized Medicine
Classification: Uncertain significance. Last evaluated: 2016-06-30. Review status: criteria provided, single submitter. Criteria: LMM Criteria. Collection method: clinical testing. Allele origin: germline. Observed: 1 variant allele.
Comment: The p.Ile851Ser variant in ESPN has not been previously reported in individuals with hearing loss. This variant has been identified in 2/65044 European chromoso mes by the Exome Aggregation Consortium (ExAC; d bSNP rs752357040); however, its frequency is not high enough to rule out a patho genic role. Computational prediction tools and conservation analyses suggest tha t this variant may impact the protein, though this information is not predictive enough to determine pathogenicity. In summary, the clinical significance of the p.Ile851Ser variant is uncertain.

NM_031475.3(ESPN):c.2552T>G (p.Ile851Ser)

Gene: ESPN (espin; plus strand). Cytogenetic location: 1p36.31.
Variant type: single nucleotide variant.
Coding change: c.2552T>G on transcript NM_031475.3 (MANE Select); coding-DNA position 2552, T replaced by G.
Protein change: p.Ile851Ser; replaces isoleucine 851 with serine.
Molecular consequence: missense variant.
Genome position (GRCh38, 1-based): chr1:6,460,133, T>G. VCF-style: chr1-6460133-T-G. GRCh37 (hg19) VCF-style: chr1-6520193-T-G.
Other names: c.2462T>G, p.Ile821Ser (NM_001367473.1); c.2489T>G, p.Ile830Ser (NM_001367474.1); short protein forms I851S, I830S, I821S.
Identifiers: ClinVar variation 505061 (VCV000505061.4), dbSNP rs752357040, ClinGen allele CA560557.